The following is an entry in ClinVar:

ClinVar aggregate classification (germline): Uncertain significance (1 of 4 stars; one submission).

Conditions:
Inborn genetic diseases. Identifiers: MedGen C0950123, MeSH D030342.

Allele frequency attached by ClinVar (database versions not stated): gnomAD exomes below 0.00001.
gnomAD v4.1: 1 of 1,612,744 alleles (0.000062%); highest among the groups gnomAD compares: Admixed American, 0.0017%; no homozygotes.

Submission:

Ambry Genetics
Classification: Uncertain significance for Inborn genetic diseases. Last evaluated: 2023-11-18. Review status: criteria provided, single submitter. Criteria: Ambry Variant Classification Scheme 2023. Collection method: clinical testing. Allele origin: germline.
Comment: The p.W803C variant (also known as c.2409G>C), located in coding exon 19 of the BUB1B gene, results from a G to C substitution at nucleotide position 2409. The tryptophan at codon 803 is replaced by cysteine, an amino acid with highly dissimilar properties. This amino acid position is conserved. In addition, the in silico prediction for this alteration is inconclusive. Since supporting evidence is limited at this time, the clinical significance of this alteration remains unclear.

NM_001211.6(BUB1B):c.2409G>C (p.Trp803Cys)

Gene: BUB1B (BUB1 mitotic checkpoint serine/threonine kinase B; plus strand). Cytogenetic location: 15q15.1.
Variant type: single nucleotide variant.
Coding change: c.2409G>C on transcript NM_001211.6 (MANE Select); coding-DNA position 2409, G replaced by C.
Protein change: p.Trp803Cys; replaces tryptophan 803 with cysteine.
Molecular consequence: missense variant.
Genome position (GRCh38, 1-based): chr15:40,212,522, G>C. VCF-style: chr15-40212522-G-C. GRCh37 (hg19) VCF-style: chr15-40504723-G-C.
Other names: short protein forms W803C.
Identifiers: ClinVar variation 3221386 (VCV003221386.1), dbSNP rs1240090211, ClinGen allele CA391695143.